The following is an entry in ClinVar:

ClinVar aggregate classification (germline): Uncertain significance. Review status: criteria provided, multiple submitters, no conflicts (2 of 4 stars). 2 submissions from 2 submitters: Uncertain significance (2). Last evaluated 2025-08-09.

Conditions:
Inborn genetic diseases. Identifiers: MedGen C0950123, MeSH D030342.
Nemaline myopathy 9 (NEM9). Identifiers: MedGen C3810384, MONDO:0014326, OMIM 615731.

Allele frequency attached by ClinVar (database versions not stated): gnomAD 0.00001; ExAC 0.00002; gnomAD exomes 0.00002 and 0.00003; TOPMed 0.00002.
gnomAD v4.1: 36 of 1,613,840 alleles (0.0022%); highest among the groups gnomAD compares: Middle Eastern, 0.049%; no homozygotes.

Submissions (2):

Ambry Genetics
Classification: Uncertain significance for Inborn genetic diseases. Last evaluated: 2025-08-09. Review status: criteria provided, single submitter. Criteria: Ambry Variant Classification Scheme 2023. Collection method: clinical testing. Allele origin: germline.

Labcorp Genetics (formerly Invitae), Labcorp
Classification: Uncertain significance for Nemaline myopathy 9. Last evaluated: 2022-09-06. Review status: criteria provided, single submitter. Criteria: Invitae Variant Classification Sherloc (09022015). Collection method: clinical testing. Allele origin: germline.
Comment: This sequence change replaces aspartic acid, which is acidic and polar, with alanine, which is neutral and non-polar, at codon 146 of the KLHL41 protein (p.Asp146Ala). This variant is present in population databases (rs553091070, gnomAD 0.02%). This variant has not been reported in the literature in individuals affected with KLHL41-related conditions. ClinVar contains an entry for this variant (Variation ID: 665319). Algorithms developed to predict the effect of missense changes on protein structure and function (SIFT, PolyPhen-2, Align-GVGD) all suggest that this variant is likely to be disruptive. In summary, the available evidence is currently insufficient to determine the role of this variant in disease. Therefore, it has been classified as a Variant of Uncertain Significance.

NM_006063.3(KLHL41):c.437A>C (p.Asp146Ala)

Gene: KLHL41 (kelch like family member 41; plus strand). Cytogenetic location: 2q31.1.
Variant type: single nucleotide variant.
Coding change: c.437A>C on transcript NM_006063.3 (MANE Select); coding-DNA position 437, A replaced by C.
Protein change: p.Asp146Ala; replaces aspartic acid 146 with alanine.
Molecular consequence: missense variant.
Genome position (GRCh38, 1-based): chr2:169,510,215, A>C. VCF-style: chr2-169510215-A-C. GRCh37 (hg19) VCF-style: chr2-170366725-A-C.
Other names: short protein forms D146A.
Identifiers: ClinVar variation 665319 (VCV000665319.7), dbSNP rs553091070, ClinGen allele CA1956503.